The following is an entry in ClinVar:

ClinVar aggregate classification (germline): Uncertain significance (1 of 4 stars; one submission).

Allele frequency attached by ClinVar (database versions not stated): gnomAD exomes below 0.00001.
gnomAD v4.1: 4 of 1,310,048 alleles (0.00031%); highest among the groups gnomAD compares: Non-Finnish European, 0.0002%; no homozygotes.

Submission:

Labcorp Genetics (formerly Invitae), Labcorp
Classification: Uncertain significance. Last evaluated: 2024-04-29. Review status: criteria provided, single submitter. Criteria: Invitae Variant Classification Sherloc (09022015). Collection method: clinical testing. Allele origin: germline.
Comment: This sequence change falls in intron 1 of the CPA1 gene. It does not directly change the encoded amino acid sequence of the CPA1 protein. It affects a nucleotide within the consensus splice site. This variant is not present in population databases (gnomAD no frequency). This variant has not been reported in the literature in individuals affected with CPA1-related conditions. ClinVar contains an entry for this variant (Variation ID: 1410925). Variants that disrupt the consensus splice site are a relatively common cause of aberrant splicing (PMID: 17576681, 9536098). Algorithms developed to predict the effect of sequence changes on RNA splicing suggest that this variant is not likely to affect RNA splicing. In summary, the available evidence is currently insufficient to determine the role of this variant in disease. Therefore, it has been classified as a Variant of Uncertain Significance.

Literature cited by the submitters: PubMed 17576681; PubMed 9536098.

NM_001868.4(CPA1):c.65+4G>A

Gene: CPA1 (carboxypeptidase A1; plus strand). Cytogenetic location: 7q32.2.
Variant type: single nucleotide variant.
Coding change: c.65+4G>A on transcript NM_001868.4 (MANE Select); 4 bases into the intron after coding-DNA position 65, G replaced by A.
Molecular consequence: intron variant.
Genome position (GRCh38, 1-based): chr7:130,380,589, G>A. VCF-style: chr7-130380589-G-A. GRCh37 (hg19) VCF-style: chr7-130020430-G-A.
Identifiers: ClinVar variation 1410925 (VCV001410925.6), dbSNP rs2117498427, ClinGen allele CA2573141790.